The following is an entry in ClinVar:

ClinVar aggregate classification (germline): Pathogenic (1 of 4 stars; one submission).

Conditions:
Epidermolysis bullosa simplex with nail dystrophy (EBS5D). Identifiers: MedGen C4225309, MONDO:0014661, OMIM 616487.
Epidermolysis bullosa simplex, Ogna type (EBS5A). Also called: Pidermolysis bullosa simplex 5A, Ogna type; EPIDERMOLYSIS BULLOSA SIMPLEX 5A, OGNA TYPE. Identifiers: Orphanet 79401, MedGen C0432317, MONDO:0007555, OMIM 131950.
Autosomal recessive limb-girdle muscular dystrophy type 2Q (LGMDR17). Also called: MUSCULAR DYSTROPHY, LIMB-GIRDLE, AUTOSOMAL RECESSIVE 17. Identifiers: Orphanet 254361, MedGen C3150989, MONDO:0013390, OMIM 613723.
Epidermolysis bullosa simplex 5B, with muscular dystrophy (EBS5B). Also called: EPIDERMOLYSIS BULLOSA SIMPLEX AND LIMB-GIRDLE MUSCULAR DYSTROPHY; Epidermolysis bullosa simplex with muscular dystrophy. Identifiers: Orphanet 257, MedGen C2931072, MONDO:0009181, OMIM 226670.
Epidermolysis bullosa simplex 5C, with pyloric atresia (EBS5C). Also called: PLEC-Related Epidermolysis Bullosa with Pyloric Atresia; Epidermolysis bullosa simplex with pyloric atresia; PLEC1-Related Epidermolysis Bullosa with Pyloric Atresia. Identifiers: Orphanet 158684, MedGen C2677349, MONDO:0012807, OMIM 612138.

Submission:

Labcorp Genetics (formerly Invitae), Labcorp
Classification: Pathogenic for Autosomal recessive limb-girdle muscular dystrophy type 2Q; Epidermolysis bullosa simplex, Ogna type; Epidermolysis bullosa simplex with nail dystrophy; Epidermolysis bullosa simplex 5C, with pyloric atresia; Epidermolysis bullosa simplex 5B, with muscular dystrophy. Last evaluated: 2024-03-25. Review status: criteria provided, single submitter. Criteria: Invitae Variant Classification Sherloc (09022015). Collection method: clinical testing. Allele origin: germline.
Comment: This sequence change creates a premature translational stop signal (p.Glu4150*) in the PLEC gene. While this is not anticipated to result in nonsense mediated decay, it is expected to disrupt the last 425 amino acid(s) of the PLEC protein. This variant is not present in population databases (gnomAD no frequency). This variant has not been reported in the literature in individuals affected with PLEC-related conditions. This variant disrupts a region of the PLEC protein in which other variant(s) (p.Arg4167*) have been determined to be pathogenic (PMID: 23289980, 31513275). This suggests that this is a clinically significant region of the protein, and that variants that disrupt it are likely to be disease-causing. For these reasons, this variant has been classified as Pathogenic.

Literature cited by the submitters: PubMed 23289980; PubMed 31513275.

NM_201384.3(PLEC):c.12367G>T (p.Glu4123Ter)

Gene: PLEC (plectin; minus strand). Cytogenetic location: 8q24.3.
Variant type: single nucleotide variant.
Coding change: c.12367G>T on transcript NM_201384.3 (MANE Select); coding-DNA position 12367, G replaced by T.
Protein change: p.Glu4123Ter; replaces glutamic acid 4123 with a stop codon.
Molecular consequence: nonsense.
Genome position (GRCh38, 1-based): chr8:143,917,454, C>A on the plus strand (G>T on the coding strand, the complement: PLEC is on the minus strand). VCF-style: chr8-143917454-C-A. GRCh37 (hg19) VCF-style: chr8-144991622-C-A.
Other names: c.12448G>T, p.Glu4150Ter (NM_000445.5); c.9067G>T, p.Glu3023Ter (NM_001410941.1); c.12325G>T, p.Glu4109Ter (NM_201378.4); c.12301G>T, p.Glu4101Ter (NM_201379.3); c.12778G>T, p.Glu4260Ter (NM_201380.4); c.12271G>T, p.Glu4091Ter (NM_201381.3); c.12367G>T, p.Glu4123Ter (NM_201382.4); c.12379G>T, p.Glu4127Ter (NM_201383.3); short protein forms E3023*, E4091*, E4101*, E4109*, E4123*, E4127*, E4150*, E4260*.
Identifiers: ClinVar variation 3754657 (VCV003754657.2).